The following is an entry in ClinVar:

NM_001031689.3(PLAA):c.1925A>G (p.His642Arg)

Gene: PLAA (phospholipase A2 activating protein; minus strand). Cytogenetic location: 9p21.2.
Variant type: single nucleotide variant.
Coding change: c.1925A>G on transcript NM_001031689.3 (MANE Select); coding-DNA position 1925, A replaced by G.
Protein change: p.His642Arg; replaces histidine 642 with arginine.
Molecular consequence: missense variant.
Genome position (GRCh38, 1-based): chr9:26,905,974, T>C on the plus strand (A>G on the coding strand, the complement: PLAA is on the minus strand). VCF-style: chr9-26905974-T-C. GRCh37 (hg19) VCF-style: chr9-26905972-T-C.
Other names: c.1856A>G, p.His619Arg (NM_001321546.2); short protein forms H619R, H642R.
Identifiers: ClinVar variation 1478765 (VCV001478765.8), dbSNP rs2131361245, ClinGen allele CA373127042.

ClinVar aggregate classification (germline): Uncertain significance (1 of 4 stars; one submission).

Allele frequency attached by ClinVar (database versions not stated): gnomAD exomes below 0.00001.
gnomAD v4.1: 1 of 1,614,112 alleles (0.000062%); highest among the groups gnomAD compares: Non-Finnish European, 0.000085%; no homozygotes.

Submission:

Labcorp Genetics (formerly Invitae), Labcorp
Classification: Uncertain significance. Last evaluated: 2024-10-15. Review status: criteria provided, single submitter. Criteria: Invitae Variant Classification Sherloc (09022015). Collection method: clinical testing. Allele origin: germline.
Comment: This sequence change replaces histidine, which is basic and polar, with arginine, which is basic and polar, at codon 642 of the PLAA protein (p.His642Arg). This variant is not present in population databases (gnomAD no frequency). This variant has not been reported in the literature in individuals affected with PLAA-related conditions. ClinVar contains an entry for this variant (Variation ID: 1478765). Invitae Evidence Modeling of protein sequence and biophysical properties (such as structural, functional, and spatial information, amino acid conservation, physicochemical variation, residue mobility, and thermodynamic stability) indicates that this missense variant is not expected to disrupt PLAA protein function with a negative predictive value of 80%. In summary, the available evidence is currently insufficient to determine the role of this variant in disease. Therefore, it has been classified as a Variant of Uncertain Significance.